The following is an entry in ClinVar:

ClinVar aggregate classification (germline): Conflicting classifications of pathogenicity. Review status: criteria provided, conflicting classifications (1 of 4 stars). 3 submissions from 3 submitters: Uncertain significance (2); Likely benign (1). Last evaluated 2025-02-12.

Conditions:
Hereditary cancer-predisposing syndrome. Also called: Neoplastic Syndromes, Hereditary; Tumor predisposition; Hereditary Cancer Syndrome; Hereditary neoplastic syndrome. Identifiers: Orphanet 140162, MedGen C0027672, MeSH D009386, MONDO:0015356.
Oligodontia-cancer predisposition syndrome. Also called: TOOTH AGENESIS-COLORECTAL CANCER SYNDROME. Identifiers: Orphanet 300576, MedGen C1837750, MONDO:0012075, OMIM 608615. Disease mechanism: loss of function.

Submissions (3):

Labcorp Genetics (formerly Invitae), Labcorp
Classification: Uncertain significance for Oligodontia-cancer predisposition syndrome. Last evaluated: 2025-02-12. Review status: criteria provided, single submitter. Criteria: Invitae Variant Classification Sherloc (09022015). Collection method: clinical testing. Allele origin: germline.
Comment: This sequence change replaces asparagine, which is neutral and polar, with isoleucine, which is neutral and non-polar, at codon 739 of the AXIN2 protein (p.Asn739Ile). This variant is not present in population databases (gnomAD no frequency). This variant has not been reported in the literature in individuals affected with AXIN2-related conditions. ClinVar contains an entry for this variant (Variation ID: 464600). An algorithm developed to predict the effect of missense changes on protein structure and function (PolyPhen-2) suggests that this variant is likely to be tolerated. In summary, the available evidence is currently insufficient to determine the role of this variant in disease. Therefore, it has been classified as a Variant of Uncertain Significance.

Ambry Genetics
Classification: Likely benign for Hereditary cancer-predisposing syndrome. Last evaluated: 2024-07-22. Review status: criteria provided, single submitter. Criteria: Ambry Variant Classification Scheme 2023. Collection method: clinical testing. Allele origin: germline.

GeneDx
Classification: Uncertain significance. Last evaluated: 2023-06-29. Review status: criteria provided, single submitter. Criteria: GeneDx Variant Classification Process June 2021. Collection method: clinical testing. Allele origin: germline. Affected: yes.
Comment: Not observed at significant frequency in large population cohorts (gnomAD); In silico analysis supports that this missense variant does not alter protein structure/function; Has not been previously published as pathogenic or benign to our knowledge

NM_004655.4(AXIN2):c.2216A>T (p.Asn739Ile)

Gene: AXIN2 (axin 2; minus strand). Cytogenetic location: 17q24.1.
Variant type: single nucleotide variant.
Coding change: c.2216A>T on transcript NM_004655.4 (MANE Select); coding-DNA position 2216, A replaced by T.
Protein change: p.Asn739Ile; replaces asparagine 739 with isoleucine.
Molecular consequence: missense variant.
Genome position (GRCh38, 1-based): chr17:65,535,647, T>A on the plus strand (A>T on the coding strand, the complement: AXIN2 is on the minus strand). VCF-style: chr17-65535647-T-A. GRCh37 (hg19) VCF-style: chr17-63531765-T-A.
Other names: c.2216A>T (LRG_296t1); c.2021A>T, p.Asn674Ile (NM_001363813.1); short protein forms N739I, N674I.
Identifiers: ClinVar variation 464600 (VCV000464600.13), dbSNP rs547630327, ClinGen allele CA400675735.